The following is an entry in ClinVar:

ClinVar aggregate classification (germline): Uncertain significance (1 of 4 stars; one submission).

Conditions:
Breast-ovarian cancer, familial, susceptibility to, 4. Identifiers: Orphanet 145, MedGen C3280345, MONDO:0013669, OMIM 614291.

Submission:

Labcorp Genetics (formerly Invitae), Labcorp
Classification: Uncertain significance for Breast-ovarian cancer, familial, susceptibility to, 4. Last evaluated: 2025-10-07. Review status: criteria provided, single submitter. Criteria: Invitae Variant Classification Sherloc (09022015). Collection method: clinical testing. Allele origin: germline.
Comment: This sequence change replaces arginine, which is basic and polar, with serine, which is neutral and polar, at codon 166 of the RAD51D protein (p.Arg166Ser). This variant is not present in population databases (gnomAD no frequency). This variant has not been reported in the literature in individuals affected with RAD51D-related conditions. Invitae Evidence Modeling of protein sequence and biophysical properties (such as structural, functional, and spatial information, amino acid conservation, physicochemical variation, residue mobility, and thermodynamic stability) indicates that this missense variant is not expected to disrupt RAD51D protein function with a negative predictive value of 80%. In summary, the available evidence is currently insufficient to determine the role of this variant in disease. Therefore, it has been classified as a Variant of Uncertain Significance.

NM_002878.4(RAD51D):c.498G>C (p.Arg166Ser)

Genes: RAD51L3-RFFL (RAD51L3-RFFL readthrough; minus strand), RAD51D (RAD51 paralog D; minus strand). Cytogenetic location: 17q12.
Variant type: single nucleotide variant.
Coding change: c.498G>C on transcript NM_002878.4 (MANE Select); coding-DNA position 498, G replaced by C.
Protein change: p.Arg166Ser; replaces arginine 166 with serine.
Molecular consequence: missense variant. On other transcripts: non-coding transcript variant (3).
Genome position (GRCh38, 1-based): chr17:35,106,464, C>G on the plus strand (G>C on the coding strand, the complement: RAD51D is on the minus strand). VCF-style: chr17-35106464-C-G. GRCh37 (hg19) VCF-style: chr17-33433483-C-G.
Other names: c.558G>C, p.Arg186Ser (NM_001142571.2); c.162G>C, p.Arg54Ser (NM_133629.3); short protein forms R54S, R166S, R186S.
Identifiers: ClinVar variation 4705616 (VCV004705616.1).